The following is an entry in ClinVar:

NM_002778.4(PSAP):c.692A>G (p.Asp231Gly)

Gene: PSAP (prosaposin; minus strand). Cytogenetic location: 10q22.1.
Variant type: single nucleotide variant.
Coding change: c.692A>G on transcript NM_002778.4 (MANE Select); coding-DNA position 692, A replaced by G.
Protein change: p.Asp231Gly; replaces aspartic acid 231 with glycine.
Molecular consequence: missense variant.
Genome position (GRCh38, 1-based): chr10:71,828,042, T>C on the plus strand (A>G on the coding strand, the complement: PSAP is on the minus strand). VCF-style: chr10-71828042-T-C. GRCh37 (hg19) VCF-style: chr10-73587799-T-C.
Other names: c.692A>G, p.Asp231Gly (NM_001042465.3, NM_001042466.3); c.692A>G (NM_002778.2); short protein forms D231G.
Identifiers: ClinVar variation 2147100 (VCV002147100.2), dbSNP rs767173061, ClinGen allele CA5547698.

ClinVar aggregate classification (germline): Uncertain significance. Review status: criteria provided, multiple submitters, no conflicts (2 of 4 stars). 2 submissions from 2 submitters: Uncertain significance (2). Last evaluated 2023-12-18.

Conditions:
Inborn genetic diseases. Identifiers: MedGen C0950123, MeSH D030342.
Sphingolipid activator protein 1 deficiency. Also called: Saposin B Deficiency; Metachromatic leukodystrophy due to saposin B deficiency; METACHROMATIC LEUKODYSTROPHY DUE TO CEREBROSIDE SULFATASE ACTIVATOR DEFICIENCY. Identifiers: Orphanet 512, MedGen C0268262, MONDO:0009590, OMIM 249900.

Allele frequency attached by ClinVar (database versions not stated): TOPMed below 0.00001; gnomAD 0.00001; gnomAD exomes 0.00003; ExAC 0.00004.
gnomAD v4.1: 38 of 1,614,034 alleles (0.0024%); highest among the groups gnomAD compares: South Asian, 0.042%; no homozygotes.

Submissions (2):

Ambry Genetics
Classification: Uncertain significance for Inborn genetic diseases. Last evaluated: 2023-12-18. Review status: criteria provided, single submitter. Criteria: Ambry Variant Classification Scheme 2023. Collection method: clinical testing. Allele origin: germline.

Labcorp Genetics (formerly Invitae), Labcorp
Classification: Uncertain significance for Sphingolipid activator protein 1 deficiency. Last evaluated: 2022-05-09. Review status: criteria provided, single submitter. Criteria: Invitae Variant Classification Sherloc (09022015). Collection method: clinical testing. Allele origin: germline.
Comment: This sequence change replaces aspartic acid, which is acidic and polar, with glycine, which is neutral and non-polar, at codon 231 of the PSAP protein (p.Asp231Gly). This variant is present in population databases (rs767173061, gnomAD 0.03%). This variant has not been reported in the literature in individuals affected with PSAP-related conditions. Algorithms developed to predict the effect of missense changes on protein structure and function are either unavailable or do not agree on the potential impact of this missense change (SIFT: "Not Available"; PolyPhen-2: "Possibly Damaging"; Align-GVGD: "Not Available"). In summary, the available evidence is currently insufficient to determine the role of this variant in disease. Therefore, it has been classified as a Variant of Uncertain Significance.